The following is an entry in ClinVar:

NM_002226.5(JAG2):c.2134C>T (p.Arg712Cys)

Gene: JAG2 (jagged canonical Notch ligand 2; minus strand). Cytogenetic location: 14q32.33.
Variant type: single nucleotide variant.
Coding change: c.2134C>T on transcript NM_002226.5 (MANE Select); coding-DNA position 2134, C replaced by T.
Protein change: p.Arg712Cys; replaces arginine 712 with cysteine.
Molecular consequence: missense variant.
Genome position (GRCh38, 1-based): chr14:105,148,326, G>A on the plus strand (C>T on the coding strand, the complement: JAG2 is on the minus strand). VCF-style: chr14-105148326-G-A. GRCh37 (hg19) VCF-style: chr14-105614663-G-A.
Other names: c.2020C>T, p.Arg674Cys (NM_145159.3); short protein forms R674C, R712C.
Identifiers: ClinVar variation 1677289 (VCV001677289.2), dbSNP rs764146079, ClinGen allele CA391267925.

ClinVar aggregate classification (germline): Conflicting classifications of pathogenicity. Review status: criteria provided, conflicting classifications (1 of 4 stars). 2 submissions from 2 submitters: Likely pathogenic (1); Uncertain significance (1). Last evaluated 2026-01-26.

Conditions:
Muscular dystrophy, limb-girdle, autosomal recessive 27. Identifiers: MedGen C5562002, MONDO:0030456, OMIM 619566.

gnomAD v4.1: 1 of 1,609,668 alleles (0.000062%); highest among the groups gnomAD compares: Non-Finnish European, 0.000085%; no homozygotes.

Submissions (2):

Medical and Scientific Branch, Hong Kong Genome Institute
Classification: Likely pathogenic for Muscular dystrophy, limb-girdle, autosomal recessive 27. Last evaluated: 2026-01-26. Review status: criteria provided, single submitter. Criteria: ACMG Guidelines, 2015. Collection method: clinical testing. Allele origin: biparental. Affected: yes.

SIB Swiss Institute of Bioinformatics
Classification: Uncertain significance for Muscular dystrophy, limb-girdle, autosomal recessive 27. Last evaluated: 2022-04-20. Review status: criteria provided, single submitter. Criteria: ACMG Guidelines, 2015. Collection method: curation. Allele origin: unknown.
Comment: This variant is interpreted as a variant of uncertain significance for Muscular dystrophy, limb-girdle, autosomal recessive 27. The following ACMG Tag(s) were applied: Absent from controls (or at extremely low frequency if recessive) in Exome Sequencing Project, 1000 Genomes Project, or Exome Aggregation Consortium (PM2); Cosegregation with disease in multiple affected family members in a gene definitively known to cause the disease (PP1 moderate); Multiple lines of computational evidence support a deleterious effect on the gene or gene product (PP3).

Literature cited by the submitters: PubMed 33861953 (cited by SIB Swiss Institute of Bioinformatics).